The following is an entry in ClinVar:

ClinVar aggregate classification (germline): Pathogenic/Likely pathogenic. Review status: criteria provided, multiple submitters, no conflicts (2 of 4 stars). 2 submissions from 2 submitters: Pathogenic (1); Likely pathogenic (1). Last evaluated 2024-08-29.

Conditions:
TRIM32-related disorder. Also called: TRIM32-related condition.
Bardet-Biedl syndrome (BBS). Identifiers: Orphanet 110, MedGen C0752166, MONDO:0015229.

gnomAD v4.1: 4 of 1,614,174 alleles (0.00025%); highest among the groups gnomAD compares: South Asian, 0.0022%; no homozygotes.

Submissions (2):

Labcorp Genetics (formerly Invitae), Labcorp
Classification: Pathogenic for Bardet-Biedl syndrome. Last evaluated: 2024-08-29. Review status: criteria provided, single submitter. Criteria: Invitae Variant Classification Sherloc (09022015). Collection method: clinical testing. Allele origin: germline.
Comment: This sequence change creates a premature translational stop signal (p.Arg500*) in the TRIM32 gene. While this is not anticipated to result in nonsense mediated decay, it is expected to disrupt the last 154 amino acid(s) of the TRIM32 protein. This variant is not present in population databases (gnomAD no frequency). This variant has not been reported in the literature in individuals affected with TRIM32-related conditions. This variant disrupts a region of the TRIM32 protein in which other variant(s) (p.Val591Met) have been determined to be pathogenic (PMID: 30823891). This suggests that this is a clinically significant region of the protein, and that variants that disrupt it are likely to be disease-causing. For these reasons, this variant has been classified as Pathogenic.

Blueprint Genetics
Classification: Likely pathogenic for TRIM32-related disorders. Last evaluated: 2024-03-14. Review status: criteria provided, single submitter. Criteria: ACMG Guidelines, 2015. Collection method: clinical testing. Allele origin: germline. Affected: yes. Observed: 3 variant alleles.

Literature cited by the submitters: PubMed 30823891 (cited by Labcorp Genetics (formerly Invitae), Labcorp).

NM_012210.4(TRIM32):c.1498C>T (p.Arg500Ter)

Genes: ASTN2 (astrotactin 2; minus strand), TRIM32 (tripartite motif containing 32; plus strand). Cytogenetic location: 9q33.1.
Variant type: single nucleotide variant.
Coding change: c.1498C>T on transcript NM_012210.4 (MANE Select); coding-DNA position 1498, C replaced by T.
Protein change: p.Arg500Ter; replaces arginine 500 with a stop codon.
Molecular consequence: nonsense. On other transcripts: intron variant (3).
Genome position (GRCh38, 1-based): chr9:116,699,240, C>T. VCF-style: chr9-116699240-C-T. GRCh37 (hg19) VCF-style: chr9-119461519-C-T.
Other names: c.1498C>T, p.Arg500Ter (NM_001379048.1, NM_001379049.1, NM_001379050.1 and 1 more transcripts); c.2653+26531G>A (NM_014010.5); c.2794+26531G>A (NM_001365069.1); c.2806+26531G>A (NM_001365068.1); short protein forms R500*.
Identifiers: ClinVar variation 3702791 (VCV003702791.3).
Genomic context (GRCh38, chr9:116,699,240, plus strand): 5'-TCTGGCCAGTTTGTAGTAACCGATGTGGAAGGTGGAAAGCTTTGGTGTTTCACAGTTGAT[C>T]GAGGATCAGGGGTGGTCAAATACAGCTGCCTATGTAGTGCTGTGCGGCCCAAATTTGTCA-3'